The following is an entry in ClinVar:

NM_006364.4(SEC23A):c.4A>G (p.Thr2Ala)

Gene: SEC23A (SEC23 homolog A, COPII component; minus strand). Cytogenetic location: 14q21.1.
Variant type: single nucleotide variant.
Coding change: c.4A>G on transcript NM_006364.4 (MANE Select); coding-DNA position 4, A replaced by G.
Protein change: p.Thr2Ala; replaces threonine 2 with alanine.
Molecular consequence: missense variant.
Genome position (GRCh38, 1-based): chr14:39,096,115, T>C on the plus strand (A>G on the coding strand, the complement: SEC23A is on the minus strand). VCF-style: chr14-39096115-T-C. GRCh37 (hg19) VCF-style: chr14-39565319-T-C.
Other names: short protein forms T2A.
Identifiers: ClinVar variation 4710950 (VCV004710950.1).
Genomic context (GRCh38, chr14:39,096,115, plus strand): 5'-TCCAACTAAATCGGACTCCATCTCGTTCTTCATTTTGTTGAATGAATTCCAAATAGGTTG[T>C]CATTGTGGAGTTTGATTCTTATTTCTGTATCAAAATTTTAAAATATTTTAAAATCCAGGA-3'
Protein context (NP_006355.2, residues 1-12): M[Thr2Ala]TYLEFIQQNE

ClinVar aggregate classification (germline): Uncertain significance (1 of 4 stars; one submission).

Conditions:
Craniolenticulosutural dysplasia (CLSD). Also called: BOYADJIEV-JABS SYNDROME. Identifiers: Orphanet 50814, MedGen C1843042, MONDO:0011911, OMIM 607812.

Submission:

Labcorp Genetics (formerly Invitae), Labcorp
Classification: Uncertain significance for Craniolenticulosutural dysplasia. Last evaluated: 2025-03-18. Review status: criteria provided, single submitter. Criteria: Invitae Variant Classification Sherloc (09022015). Collection method: clinical testing. Allele origin: germline.
Comment: This sequence change replaces threonine, which is neutral and polar, with alanine, which is neutral and non-polar, at codon 2 of the SEC23A protein (p.Thr2Ala). This variant is present in population databases (rs767667896, gnomAD 0.003%). This variant has not been reported in the literature in individuals affected with SEC23A-related conditions. An algorithm developed to predict the effect of missense changes on protein structure and function (PolyPhen-2) suggests that this variant is likely to be tolerated. In summary, the available evidence is currently insufficient to determine the role of this variant in disease. Therefore, it has been classified as a Variant of Uncertain Significance.